The following is an entry in ClinVar:

ClinVar aggregate classification (germline): Uncertain significance. Review status: criteria provided, multiple submitters, no conflicts (2 of 4 stars). 5 submissions from 5 submitters: Uncertain significance (4). 1 of the submissions does not count toward it. Last evaluated 2024-11-03.

Conditions:
BBS9-related disorder. Also called: BBS9-related condition.
Bardet-Biedl syndrome 9 (BBS9). Identifiers: Orphanet 110, MedGen C1859567, MONDO:0014437, OMIM 615986.
Bardet-Biedl syndrome (BBS). Identifiers: Orphanet 110, MedGen C0752166, MONDO:0015229.

Allele frequency attached by ClinVar (database versions not stated): gnomAD 0.00001; TOPMed 0.00002; ExAC 0.00009; gnomAD exomes 0.00010; 1000 Genomes Project 30x 0.00016; 1000 Genomes Project 0.00020.
gnomAD v4.1: 38 of 1,611,866 alleles (0.0024%); highest among the groups gnomAD compares: South Asian, 0.024%; no homozygotes.

Submissions (5):

GeneDx
Classification: Uncertain significance. Last evaluated: 2024-11-03. Review status: criteria provided, single submitter. Criteria: GeneDx Variant Classification Process June 2021. Collection method: clinical testing. Allele origin: germline. Affected: yes.
Comment: In silico analysis supports that this missense variant has a deleterious effect on protein structure/function; Has not been previously published as pathogenic or benign to our knowledge

Labcorp Genetics (formerly Invitae), Labcorp
Classification: Uncertain significance for Bardet-Biedl syndrome. Last evaluated: 2024-10-26. Review status: criteria provided, single submitter. Criteria: Invitae Variant Classification Sherloc (09022015). Collection method: clinical testing. Allele origin: germline.
Comment: This sequence change replaces arginine, which is basic and polar, with cysteine, which is neutral and slightly polar, at codon 619 of the BBS9 protein (p.Arg619Cys). This variant is present in population databases (rs543113169, gnomAD 0.05%). This variant has not been reported in the literature in individuals affected with BBS9-related conditions. ClinVar contains an entry for this variant (Variation ID: 1465551). Invitae Evidence Modeling of protein sequence and biophysical properties (such as structural, functional, and spatial information, amino acid conservation, physicochemical variation, residue mobility, and thermodynamic stability) indicates that this missense variant is expected to disrupt BBS9 protein function with a positive predictive value of 80%. In summary, the available evidence is currently insufficient to determine the role of this variant in disease. Therefore, it has been classified as a Variant of Uncertain Significance.

Fulgent Genetics
Classification: Uncertain significance for Bardet-Biedl syndrome 9. Last evaluated: 2022-04-21. Review status: criteria provided, single submitter. Criteria: ACMG Guidelines, 2015. Collection method: clinical testing. Allele origin: unknown.

Blueprint Genetics
Classification: Uncertain significance. Last evaluated: 2021-12-22. Review status: criteria provided, single submitter. Criteria: ACMG Guidelines, 2015. Collection method: clinical testing. Allele origin: germline.

PreventionGenetics, part of Exact Sciences
Classification: Uncertain significance for BBS9-related condition. Last evaluated: 2024-07-15. Review status: no assertion criteria provided. Collection method: clinical testing. Allele origin: germline. Not counted in ClinVar's aggregate classification.
Comment: The BBS9 c.1855C>T variant is predicted to result in the amino acid substitution p.Arg619Cys. To our knowledge, this variant has not been reported in the literature. This variant is reported in 0.056% of alleles in individuals of South Asian descent in gnomAD, which may be too common to be an undocumented pathogenic variant. Although we suspect that this variant may be benign, at this time, the clinical significance of this variant is uncertain due to the absence of conclusive functional and genetic evidence.

NM_198428.3(BBS9):c.1855C>T (p.Arg619Cys)

Gene: BBS9 (Bardet-Biedl syndrome 9; plus strand). Cytogenetic location: 7p14.3.
Variant type: single nucleotide variant.
Coding change: c.1855C>T on transcript NM_198428.3 (MANE Select); coding-DNA position 1855, C replaced by T.
Protein change: p.Arg619Cys; replaces arginine 619 with cysteine.
Molecular consequence: missense variant. On other transcripts: non-coding transcript variant (3).
Genome position (GRCh38, 1-based): chr7:33,383,731, C>T. VCF-style: chr7-33383731-C-T. GRCh37 (hg19) VCF-style: chr7-33423343-C-T.
Other names: c.1750C>T, p.Arg584Cys (NM_001033604.2); c.1840C>T, p.Arg614Cys (NM_001033605.2); c.1855C>T, p.Arg619Cys (NM_001348036.1, NM_001348041.4, NM_001348043.3 and 1 more transcripts); c.1489C>T, p.Arg497Cys (NM_001348037.3, NM_001348045.3, NM_001348046.3); c.1582C>T, p.Arg528Cys (NM_001348038.3); c.1477C>T, p.Arg493Cys (NM_001348039.3); c.1735C>T, p.Arg579Cys (NM_001348040.3, NM_014451.4); c.1720C>T, p.Arg574Cys (NM_001348042.3); and 2 more; short protein forms R493C, R497C, R528C, R584C, R614C, R574C, R619C, R462C.
Identifiers: ClinVar variation 1465551 (VCV001465551.10), dbSNP rs543113169, ClinGen allele CA4214532.